The following is an entry in ClinVar:

ClinVar aggregate classification (germline): Likely benign. Review status: criteria provided, multiple submitters, no conflicts (2 of 4 stars). 3 submissions from 3 submitters: Likely benign (2). 1 of the submissions does not count toward it. Last evaluated 2026-02-01.

Conditions:
SAMD11-related disorder. Also called: SAMD11-related condition.

Allele frequency attached by ClinVar (database versions not stated): 1000 Genomes Project 30x 0.00265; 1000 Genomes Project 0.00280; ESP Exome Variant Server 0.00347; gnomAD 0.00352 and 0.00357; gnomAD exomes 0.00358 and 0.00458; TOPMed 0.00433; ExAC 0.00622.
gnomAD v4.1: 7,196 of 1,605,002 alleles (0.45%); highest among the groups gnomAD compares: Middle Eastern, 1.6%; 29 homozygotes.

Submissions (3):

Labcorp Genetics (formerly Invitae), Labcorp
Classification: Likely benign. Last evaluated: 2026-02-01. Review status: criteria provided, single submitter. Criteria: Invitae Variant Classification Sherloc (09022015). Collection method: clinical testing. Allele origin: germline.

Breakthrough Genomics
Classification: Likely benign. Review status: criteria provided, single submitter. Criteria: ACMG Guidelines, 2015. Collection method: not provided. Allele origin: germline. Inheritance: Unknown mechanism. Affected: yes.

PreventionGenetics, part of Exact Sciences
Classification: Likely benign for SAMD11-related condition. Last evaluated: 2019-02-28. Review status: no assertion criteria provided. Collection method: clinical testing. Allele origin: germline. Not counted in ClinVar's aggregate classification.
Comment: This variant is classified as likely benign based on ACMG/AMP sequence variant interpretation guidelines (Richards et al. 2015 PMID: 25741868, with internal and published modifications).

NM_001385641.1(SAMD11):c.703G>A (p.Gly235Ser)

Gene: SAMD11 (sterile alpha motif domain containing 11; plus strand). Cytogenetic location: 1p36.33.
Variant type: single nucleotide variant.
Coding change: c.703G>A on transcript NM_001385641.1 (MANE Select); coding-DNA position 703, G replaced by A.
Protein change: p.Gly235Ser; replaces glycine 235 with serine.
Molecular consequence: missense variant.
Genome position (GRCh38, 1-based): chr1:930,248, G>A. VCF-style: chr1-930248-G-A. GRCh37 (hg19) VCF-style: chr1-865628-G-A.
Other names: c.703G>A, p.Gly235Ser (NM_001385640.1); c.166G>A, p.Gly56Ser (NM_152486.4); short protein forms G56S, G235S.
Identifiers: ClinVar variation 789256 (VCV000789256.14), dbSNP rs41285790, ClinGen allele CA502438.